The following is an entry in ClinVar:

ClinVar aggregate classification (germline): Uncertain significance. Review status: criteria provided, multiple submitters, no conflicts (2 of 4 stars). 2 submissions from 2 submitters: Uncertain significance (2). Last evaluated 2025-04-14.

Conditions:
Cardiovascular phenotype. Identifiers: MedGen CN230736.

Submissions (2):

GeneDx
Classification: Uncertain significance. Last evaluated: 2025-04-14. Review status: criteria provided, single submitter. Criteria: GeneDx Variant Classification Process June 2021. Collection method: clinical testing. Allele origin: germline. Affected: yes.

Ambry Genetics
Classification: Uncertain significance for Cardiovascular phenotype. Last evaluated: 2023-11-09. Review status: criteria provided, single submitter. Criteria: Ambry Variant Classification Scheme 2023. Collection method: clinical testing. Allele origin: germline.
Comment: The p.I475T variant (also known as c.1424T>C), located in coding exon 12 of the DSP gene, results from a T to C substitution at nucleotide position 1424. The isoleucine at codon 475 is replaced by threonine, an amino acid with similar properties. This amino acid position is conserved. In addition, this alteration is predicted to be tolerated by in silico analysis. Since supporting evidence is limited at this time, the clinical significance of this alteration remains unclear.

NM_004415.4(DSP):c.1424T>C (p.Ile475Thr)

Gene: DSP (desmoplakin; plus strand). Cytogenetic location: 6p24.3.
Variant type: single nucleotide variant.
Coding change: c.1424T>C on transcript NM_004415.4 (MANE Select); coding-DNA position 1424, T replaced by C.
Protein change: p.Ile475Thr; replaces isoleucine 475 with threonine.
Molecular consequence: missense variant.
Genome position (GRCh38, 1-based): chr6:7,569,190, T>C. VCF-style: chr6-7569190-T-C. GRCh37 (hg19) VCF-style: chr6-7569423-T-C.
Other names: c.1424T>C, p.Ile475Thr (NM_001008844.3, NM_001319034.2); short protein forms I475T.
Identifiers: ClinVar variation 3224211 (VCV003224211.2), dbSNP rs2533886791, ClinGen allele CA362677333.